The following is an entry in ClinVar:

ClinVar aggregate classification (germline): Conflicting classifications of pathogenicity. Review status: criteria provided, conflicting classifications (1 of 4 stars). 2 submissions from 2 submitters: Uncertain significance (1); Benign (1). Last evaluated 2025-09-22.

Allele frequency attached by ClinVar (database versions not stated): TOPMed 0.00002; gnomAD 0.00004 and 0.00005; 1000 Genomes Project 0.00020; 1000 Genomes Project 30x 0.00062.
gnomAD v4.1: 41 of 1,613,100 alleles (0.0025%); highest among the groups gnomAD compares: East Asian, 0.087%; no homozygotes.

Submissions (2):

Labcorp Genetics (formerly Invitae), Labcorp
Classification: Uncertain significance. Last evaluated: 2025-09-22. Review status: criteria provided, single submitter. Criteria: Invitae Variant Classification Sherloc (09022015). Collection method: clinical testing. Allele origin: germline.
Comment: This sequence change replaces alanine, which is neutral and non-polar, with aspartic acid, which is acidic and polar, at codon 232 of the CACNA2D4 protein (p.Ala232Asp). This variant is present in population databases (rs575121425, gnomAD 0.1%), and has an allele count higher than expected for a pathogenic variant. This variant has not been reported in the literature in individuals affected with CACNA2D4-related conditions. ClinVar contains an entry for this variant (Variation ID: 846625). An algorithm developed to predict the effect of missense changes on protein structure and function (PolyPhen-2) suggests that this variant is likely to be tolerated. In summary, the available evidence is currently insufficient to determine the role of this variant in disease. Therefore, it has been classified as a Variant of Uncertain Significance.

Blueprint Genetics
Classification: Benign. Last evaluated: 2022-08-13. Review status: criteria provided, single submitter. Criteria: ACMG Guidelines, 2015. Collection method: clinical testing. Allele origin: germline.

NM_172364.5(CACNA2D4):c.695C>A (p.Ala232Asp)

Gene: CACNA2D4 (calcium voltage-gated channel auxiliary subunit alpha2delta 4; minus strand). Cytogenetic location: 12p13.33.
Variant type: single nucleotide variant.
Coding change: c.695C>A on transcript NM_172364.5 (MANE Select); coding-DNA position 695, C replaced by A.
Protein change: p.Ala232Asp; replaces alanine 232 with aspartic acid.
Molecular consequence: missense variant.
Genome position (GRCh38, 1-based): chr12:1,907,526, G>T on the plus strand (C>A on the coding strand, the complement: CACNA2D4 is on the minus strand). VCF-style: chr12-1907526-G-T. GRCh37 (hg19) VCF-style: chr12-2016692-G-T.
Other names: short protein forms A232D.
Identifiers: ClinVar variation 846625 (VCV000846625.11), dbSNP rs575121425, ClinGen allele CA6387436.